The following is an entry in ClinVar:

ClinVar aggregate classification (germline): Uncertain significance. Review status: criteria provided, multiple submitters, no conflicts (2 of 4 stars). 5 submissions from 5 submitters: Uncertain significance (5). Last evaluated 2025-08-24.

Conditions:
Pulmonary fibrosis and/or bone marrow failure, Telomere-related, 1. Also called: PULMONARY FIBROSIS AND/OR BONE MARROW FAILURE SYNDROME, TELOMERE-RELATED, 1. Identifiers: Orphanet 88, MedGen C3553617, MONDO:0013878, OMIM 614742.
Dyskeratosis congenita, autosomal dominant 2. Identifiers: MedGen C3151443, MONDO:0013521, OMIM 613989.
Idiopathic Pulmonary Fibrosis. Also called: Idiopathic fibrosing alveolitis, chronic form; idiopathic fibrosing alveolitis. Identifiers: Orphanet 2032, MedGen C1800706, MeSH D054990, MONDO:0800504.
Dyskeratosis congenita. Identifiers: Orphanet 1775, MedGen C0265965, MONDO:0015780.

Allele frequency attached by ClinVar (database versions not stated): gnomAD exomes below 0.00001; gnomAD 0.00001; TOPMed 0.00002.
gnomAD v4.1: 7 of 1,612,676 alleles (0.00043%); highest among the groups gnomAD compares: Non-Finnish European, 0.00059%; no homozygotes.

Submissions (5):

Mayo Clinic Laboratories, Mayo Clinic
Classification: Uncertain significance. Last evaluated: 2025-08-24. Review status: criteria provided, single submitter. Criteria: ACMG Guidelines, 2015. Collection method: clinical testing. Allele origin: germline. Observed: 1 variant allele.
Comment: PM2_supporting

Ambry Genetics
Classification: Uncertain significance for Dyskeratosis congenita. Last evaluated: 2025-07-23. Review status: criteria provided, single submitter. Criteria: Ambry Variant Classification Scheme 2023. Collection method: clinical testing. Allele origin: germline.
Comment: The p.R774Q variant (also known as c.2321G>A), located in coding exon 7 of the TERT gene, results from a G to A substitution at nucleotide position 2321. The arginine at codon 774 is replaced by glutamine, an amino acid with highly similar properties. This amino acid position is conserved. In addition, this alteration is predicted to be tolerated by in silico analysis. Since supporting evidence is limited at this time, the clinical significance of this alteration remains unclear.

Labcorp Genetics (formerly Invitae), Labcorp
Classification: Uncertain significance for Dyskeratosis congenita, autosomal dominant 2; Idiopathic Pulmonary Fibrosis. Last evaluated: 2025-02-09. Review status: criteria provided, single submitter. Criteria: Invitae Variant Classification Sherloc (09022015). Collection method: clinical testing. Allele origin: germline.
Comment: This sequence change replaces arginine, which is basic and polar, with glutamine, which is neutral and polar, at codon 774 of the TERT protein (p.Arg774Gln). This variant is not present in population databases (gnomAD no frequency). This variant has not been reported in the literature in individuals affected with TERT-related conditions. ClinVar contains an entry for this variant (Variation ID: 656513). Invitae Evidence Modeling of protein sequence and biophysical properties (such as structural, functional, and spatial information, amino acid conservation, physicochemical variation, residue mobility, and thermodynamic stability) indicates that this missense variant is not expected to disrupt TERT protein function with a negative predictive value of 95%. In summary, the available evidence is currently insufficient to determine the role of this variant in disease. Therefore, it has been classified as a Variant of Uncertain Significance.

Baylor Genetics
Classification: Uncertain significance for Dyskeratosis congenita, autosomal dominant 2. Last evaluated: 2023-10-29. Review status: criteria provided, single submitter. Criteria: ACMG Guidelines, 2015. Collection method: clinical testing. Allele origin: unknown.

Johns Hopkins Genomics, Johns Hopkins University
Classification: Uncertain significance for Pulmonary fibrosis and/or bone marrow failure, Telomere-related, 1. Last evaluated: 2022-07-27. Review status: criteria provided, single submitter. Criteria: ACMG Guidelines, 2015. Collection method: clinical testing. Allele origin: germline.
Comment: This TERT missense variant (rs1579564912) is rare (<0.1%) in a large population dataset (gnomAD V3.1.2: 1/152208 total alleles; 0.0007%; no homozygotes). It has been reported in ClinVar (Variation ID 656513), but has not been reported in the literature, to our knowledge. Of three bioinformatics tools queried, two predict that the substitution would be damaging, while one predicts that it would be tolerated, and the arginine residue at this position is evolutionarily conserved across many of the species assessed6. We consider the clinical significance of c.2321G>A in TERT to be uncertain at this time.

NM_198253.3(TERT):c.2321G>A (p.Arg774Gln)

Gene: TERT (telomerase reverse transcriptase; minus strand). Cytogenetic location: 5p15.33.
Variant type: single nucleotide variant.
Coding change: c.2321G>A on transcript NM_198253.3 (MANE Select); coding-DNA position 2321, G replaced by A.
Protein change: p.Arg774Gln; replaces arginine 774 with glutamine.
Molecular consequence: missense variant.
Genome position (GRCh38, 1-based): chr5:1,272,246, C>T on the plus strand (G>A on the coding strand, the complement: TERT is on the minus strand). VCF-style: chr5-1272246-C-T. GRCh37 (hg19) VCF-style: chr5-1272361-C-T.
Other names: p.Arg774Gln; c.2321G>A, p.Arg774Gln (NM_001193376.3); short protein forms R774Q.
Identifiers: ClinVar variation 656513 (VCV000656513.16), dbSNP rs1579564912, ClinGen allele CA359076399.
Genomic context (GRCh38, chr5:1,272,246, plus strand): 5'-TGCTCGATGACGACGGCATCCCTCAGCGGGCTGGTCTCCTGCAGGTGAGCCACGAACTGT[C>T]GCATGTACGGCTGGAGGTCTGTCAAGGTAGAGACCTGCCGGCAGAGGAGAGGGCATGAGC-3'
Protein context (NP_937983.2, residues 764-784): STLTDLQPYM[Arg774Gln]QFVAHLQETS